The following is an entry in ClinVar:

NM_212550.5(BLOC1S3):c.565G>T (p.Val189Leu)

Gene: BLOC1S3 (biogenesis of lysosomal organelles complex 1 subunit 3; plus strand). Cytogenetic location: 19q13.32.
Variant type: single nucleotide variant.
Coding change: c.565G>T on transcript NM_212550.5 (MANE Select); coding-DNA position 565, G replaced by T.
Protein change: p.Val189Leu; replaces valine 189 with leucine.
Molecular consequence: missense variant.
Genome position (GRCh38, 1-based): chr19:45,179,861, G>T. VCF-style: chr19-45179861-G-T. GRCh37 (hg19) VCF-style: chr19-45683119-G-T.
Other names: short protein forms V189L.
Identifiers: ClinVar variation 1433634 (VCV001433634.4), dbSNP rs773471153, ClinGen allele CA9510280.

ClinVar aggregate classification (germline): Uncertain significance. Review status: criteria provided, multiple submitters, no conflicts (2 of 4 stars). 2 submissions from 2 submitters: Uncertain significance (2). Last evaluated 2022-10-17.

Allele frequency attached by ClinVar (database versions not stated): gnomAD 0.00001; TOPMed 0.00001; gnomAD exomes 0.00005; ExAC 0.00008.
gnomAD v4.1: 28 of 1,609,638 alleles (0.0017%); highest among the groups gnomAD compares: Middle Eastern, 0.38%; 1 homozygote.

Submissions (2):

Labcorp Genetics (formerly Invitae), Labcorp
Classification: Uncertain significance. Last evaluated: 2022-10-17. Review status: criteria provided, single submitter. Criteria: Invitae Variant Classification Sherloc (09022015). Collection method: clinical testing. Allele origin: germline.
Comment: This sequence change replaces valine, which is neutral and non-polar, with leucine, which is neutral and non-polar, at codon 189 of the BLOC1S3 protein (p.Val189Leu). This variant is present in population databases (rs773471153, gnomAD 0.005%). This variant has not been reported in the literature in individuals affected with BLOC1S3-related conditions. Algorithms developed to predict the effect of missense changes on protein structure and function output the following: SIFT: "Tolerated"; PolyPhen-2: "Benign"; Align-GVGD: "Class C0". The leucine amino acid residue is found in multiple mammalian species, which suggests that this missense change does not adversely affect protein function. In summary, the available evidence is currently insufficient to determine the role of this variant in disease. Therefore, it has been classified as a Variant of Uncertain Significance.

Breakthrough Genomics
Classification: Uncertain significance. Review status: criteria provided, single submitter. Criteria: ACMG Guidelines, 2015. Collection method: not provided. Allele origin: germline. Inheritance: Autosomal dominant inheritance. Affected: yes.